The following is an entry in ClinVar:

ClinVar aggregate classification (germline): Uncertain significance. Review status: criteria provided, multiple submitters, no conflicts (2 of 4 stars). 2 submissions from 2 submitters: Uncertain significance (2). Last evaluated 2021-11-26.

Conditions:
Hereditary breast ovarian cancer syndrome. Also called: Breast and ovarian cancer; Hereditary breast and ovarian cancer syndrome (HBOC); Hereditary breast and/or ovarian cancer syndrome; Hereditary breast and ovarian cancer; Hereditary breast and ovarian cancer syndrome; BRCA1- and BRCA2-Associated Hereditary Breast and Ovarian Cancer. Identifiers: Orphanet 145, MedGen C0677776, MeSH D061325, MONDO:0003582. Disease mechanism: loss of function.
Ataxia-telangiectasia syndrome (AT). Also called: AT, COMPLEMENTATION GROUP C; Ataxia telangiectasia (A-T); Cerebello-oculocutaneous telangiectasia; Immunodeficiency with ataxia telangiectasia; LOUIS-BAR SYNDROME; Ataxia-telangiectasia. Identifiers: Orphanet 100, MedGen C0004135, MONDO:0008840, OMIM 208900.

Submissions (2):

Labcorp Genetics (formerly Invitae), Labcorp
Classification: Uncertain significance for Ataxia-telangiectasia syndrome. Last evaluated: 2021-11-26. Review status: criteria provided, single submitter. Criteria: Invitae Variant Classification Sherloc (09022015). Collection method: clinical testing. Allele origin: germline.
Comment: This sequence change replaces lysine, which is basic and polar, with asparagine, which is neutral and polar, at codon 1744 of the ATM protein (p.Lys1744Asn). This variant is not present in population databases (gnomAD no frequency). This variant has not been reported in the literature in individuals affected with ATM-related conditions. ClinVar contains an entry for this variant (Variation ID: 961265). Advanced modeling of protein sequence and biophysical properties (such as structural, functional, and spatial information, amino acid conservation, physicochemical variation, residue mobility, and thermodynamic stability) performed at Invitae indicates that this missense variant is not expected to disrupt ATM protein function. In summary, the available evidence is currently insufficient to determine the role of this variant in disease. Therefore, it has been classified as a Variant of Uncertain Significance.

Pittsburgh Clinical Genomics Laboratory, University of Pittsburgh Medical Center
Classification: Uncertain significance for Hereditary Breast and Ovarian Cancer Syndrome. Last evaluated: 2018-12-17. Review status: criteria provided, single submitter. Criteria: ACMG Guidelines, 2015. Collection method: clinical testing. Allele origin: germline. Affected: yes. Observed: 1 variant allele.
Comment: This sequence variant is a single nucleotide substitution (G>C) that results in a lysine to asparagine amino acid change at residue 1744 in the ATM protein. This variant has not been reported in breast cancer patients in the literature, to our knowledge, and is not present in control population datasets (ExAC/gnomAD databases). The Lys1744 residue is not located in a functional domain and studies assessing the effects of this particular variant on ATM function have not been identified. Multiple bioinformatic tools queried predict that this lysine to asparagine amino acid change would be tolerated. The lysine at this position is conserved across most mammalian species examined, but is an arginine in the shrew and armadillo. At this time, there is insufficient evidence to determine if this variant is pathogenic or benign. Therefore, we consider the clinical significance of this variant to be uncertain.

NM_000051.4(ATM):c.5232G>C (p.Lys1744Asn)

Gene: ATM (ATM serine/threonine kinase; plus strand). Cytogenetic location: 11q22.3.
Variant type: single nucleotide variant.
Coding change: c.5232G>C on transcript NM_000051.4 (MANE Select); coding-DNA position 5232, G replaced by C.
Protein change: p.Lys1744Asn; replaces lysine 1744 with asparagine.
Molecular consequence: missense variant.
Genome position (GRCh38, 1-based): chr11:108,301,702, G>C. VCF-style: chr11-108301702-G-C. GRCh37 (hg19) VCF-style: chr11-108172429-G-C.
Other names: c.5232G>C, p.Lys1744Asn (NM_001351834.2); short protein forms K1744N.
Identifiers: ClinVar variation 961265 (VCV000961265.6), dbSNP rs2083440178, ClinGen allele CA382542364.